The following is an entry in ClinVar:

NM_000687.4(AHCY):c.184G>A (p.Val62Ile)

Gene: AHCY (adenosylhomocysteinase; minus strand). Cytogenetic location: 20q11.22.
Variant type: single nucleotide variant.
Coding change: c.184G>A on transcript NM_000687.4 (MANE Select); coding-DNA position 184, G replaced by A.
Protein change: p.Val62Ile; replaces valine 62 with isoleucine.
Molecular consequence: missense variant.
Genome position (GRCh38, 1-based): chr20:34,295,430, C>T on the plus strand (G>A on the coding strand, the complement: AHCY is on the minus strand). VCF-style: chr20-34295430-C-T. GRCh37 (hg19) VCF-style: chr20-32883236-C-T.
Other names: c.100G>A, p.Val34Ile (NM_001161766.2, NM_001322084.2, NM_001322085.2); c.190G>A, p.Val64Ile (NM_001322086.2); c.184G>A, p.Val62Ile (NM_001362750.2); c.184G>A (NM_000687.2); short protein forms V64I, V34I, V62I.
Identifiers: ClinVar variation 2078610 (VCV002078610.3), dbSNP rs371787478, ClinGen allele CA9821121.

ClinVar aggregate classification (germline): Uncertain significance. Review status: criteria provided, multiple submitters, no conflicts (2 of 4 stars). 2 submissions from 2 submitters: Uncertain significance (2). Last evaluated 2023-05-03.

Conditions:
Inborn genetic diseases. Identifiers: MedGen C0950123, MeSH D030342.
Hypermethioninemia with deficiency of S-adenosylhomocysteine hydrolase. Identifiers: Orphanet 88618, MedGen C3151058, MONDO:0013404, OMIM 613752.

Allele frequency attached by ClinVar (database versions not stated): gnomAD exomes 0.00003; gnomAD 0.00005; ESP Exome Variant Server 0.00008; TOPMed 0.00010; ExAC 0.00016.
gnomAD v4.1: 46 of 1,613,978 alleles (0.0029%); highest among the groups gnomAD compares: East Asian, 0.04%; no homozygotes.

Submissions (2):

Ambry Genetics
Classification: Uncertain significance for Inborn genetic diseases. Last evaluated: 2023-05-03. Review status: criteria provided, single submitter. Criteria: Ambry Variant Classification Scheme 2023. Collection method: clinical testing. Allele origin: germline.

Labcorp Genetics (formerly Invitae), Labcorp
Classification: Uncertain significance for Hypermethioninemia with deficiency of S-adenosylhomocysteine hydrolase. Last evaluated: 2022-07-29. Review status: criteria provided, single submitter. Criteria: Invitae Variant Classification Sherloc (09022015). Collection method: clinical testing. Allele origin: germline.
Comment: This sequence change replaces valine, which is neutral and non-polar, with isoleucine, which is neutral and non-polar, at codon 62 of the AHCY protein (p.Val62Ile). This variant is present in population databases (rs371787478, gnomAD 0.1%). This variant has not been reported in the literature in individuals affected with AHCY-related conditions. Algorithms developed to predict the effect of missense changes on protein structure and function are either unavailable or do not agree on the potential impact of this missense change (SIFT: "Not Available"; PolyPhen-2: "Benign"; Align-GVGD: "Not Available"). In summary, the available evidence is currently insufficient to determine the role of this variant in disease. Therefore, it has been classified as a Variant of Uncertain Significance.